The following is an entry in ClinVar:

ClinVar aggregate classification (germline): Conflicting classifications of pathogenicity. Review status: criteria provided, conflicting classifications (1 of 4 stars). 2 submissions from 2 submitters: Uncertain significance (1); Likely benign (1). Last evaluated 2025-06-22.

Conditions:
Aicardi-Goutieres syndrome 7 (AGS7). Identifiers: Orphanet 51, MedGen C3888244, MONDO:0014367, OMIM 615846.
Singleton-Merten syndrome 1 (SGMRT1). Also called: Widened medullary cavities of bone, aortic calcification, abnormal dentition, and muscular weakness; Syndrome of widened medullary cavities of the metacarpals and phalanges, aortic calcification and abnormal dentition. Identifiers: Orphanet 85191, MedGen C4225427, MONDO:0024535, OMIM 182250.

Allele frequency attached by ClinVar (database versions not stated): gnomAD exomes below 0.00001.
gnomAD v4.1: 4 of 1,609,528 alleles (0.00025%); highest among the groups gnomAD compares: Non-Finnish European, 0.00034%; no homozygotes.

Submissions (2):

Labcorp Genetics (formerly Invitae), Labcorp
Classification: Likely benign for Aicardi-Goutieres syndrome 7; Singleton-Merten syndrome 1. Last evaluated: 2025-06-22. Review status: criteria provided, single submitter. Criteria: Invitae Variant Classification Sherloc (09022015). Collection method: clinical testing. Allele origin: germline.

GeneDx
Classification: Uncertain significance. Last evaluated: 2021-04-21. Review status: criteria provided, single submitter. Criteria: GeneDx Variant Classification Process June 2021. Collection method: clinical testing. Allele origin: germline. Affected: yes.
Comment: Not observed in large population cohorts (Lek et al., 2016); Has not been previously published as pathogenic or benign to our knowledge; In-silico analysis, which includes splice predictors and evolutionary conservation, is inconclusive as to whether the variant alters gene splicing. In the absence of RNA/functional studies, the actual effect of this sequence change is unknown.

NM_022168.4(IFIH1):c.2455-6T>A

Gene: IFIH1 (interferon induced with helicase C domain 1; minus strand). Cytogenetic location: 2q24.2.
Variant type: single nucleotide variant.
Coding change: c.2455-6T>A on transcript NM_022168.4 (MANE Select); 6 bases into the intron before coding-DNA position 2455, T replaced by A.
Molecular consequence: intron variant.
Genome position (GRCh38, 1-based): chr2:162,272,393, A>T on the plus strand (T>A on the coding strand, the complement: IFIH1 is on the minus strand). VCF-style: chr2-162272393-A-T. GRCh37 (hg19) VCF-style: chr2-163128903-A-T.
Identifiers: ClinVar variation 1314738 (VCV001314738.9), dbSNP rs2105192046, ClinGen allele CA2573051684.